The following is an entry in ClinVar:

NM_018418.5(SPATA7):c.245dup (p.Asp82fs)

Gene: SPATA7 (spermatogenesis associated 7; plus strand). Cytogenetic location: 14q31.3.
Variant type: Duplication.
Coding change: c.245dup on transcript NM_018418.5 (MANE Select); coding-DNA position 245, one base duplicated (A; older notation c.245dupA).
Protein change: p.Asp82fs; shifts the reading frame from aspartic acid 82.
Molecular consequence: frameshift variant.
Genome position (GRCh38, 1-based): chr14:88,416,717, A duplicated. VCF-style (leftmost placement, unchanged base first): chr14-88416716-G-GA. GRCh37 (hg19) VCF-style: chr14-88883060-G-GA.
Other names: c.149dup, p.Asp50fs (NM_001040428.4); short protein forms D82fs, D50fs.
Identifiers: ClinVar variation 5005355 (VCV005005355.2).

ClinVar aggregate classification (germline): Likely pathogenic (1 of 4 stars; one submission).

Conditions:
Leber congenital amaurosis 3 (LCA3). Also called: SPATA7-Related Retinitis Pigmentosa. Identifiers: MedGen C1858677, MONDO:0011415, OMIM 604232.

Submission:

Juno Genomics, Hangzhou Juno Genomics, Inc
Classification: Likely pathogenic for Leber congenital amaurosis 3. Review status: criteria provided, single submitter. Criteria: ACMG Guidelines, 2015. Collection method: clinical testing. Allele origin: germline.
Comment: Null variant in a gene where loss of function (LOF) is a known mechanism of disease.;Absent from controls (or at extremely low frequency if recessive) in Genome Aggregation Database.